The following is an entry in ClinVar:

NM_144736.5(NDUFAF7):c.216+4T>C

Gene: NDUFAF7 (NADH:ubiquinone oxidoreductase complex assembly factor 7; plus strand). Cytogenetic location: 2p22.2.
Variant type: single nucleotide variant.
Coding change: c.216+4T>C on transcript NM_144736.5 (MANE Select); 4 bases into the intron after coding-DNA position 216, T replaced by C.
Molecular consequence: intron variant.
Genome position (GRCh38, 1-based): chr2:37,232,270, T>C. VCF-style: chr2-37232270-T-C. GRCh37 (hg19) VCF-style: chr2-37459413-T-C.
Other names: c.216+4T>C (NM_001350024.2, NM_001350027.2, NM_001350025.2 and 1 more transcripts).
Identifiers: ClinVar variation 508306 (VCV000508306.1), dbSNP rs536224171, ClinGen allele CA1617054.
Genomic context (GRCh38, chr2:37,232,270, plus strand): 5'-ACTGGTCCCATCACTGTGGCCGAGTACATGAAGGAGGTGTTGACTAATCCAGCCAAGGTA[T>C]GGGTCGGGTAGCCCGAGGACTAGGCCCTCTCTAGCCGATTTGCGAGGTGCAAGCCAGGAG-3'

ClinVar aggregate classification (germline): Likely benign (1 of 4 stars; one submission).

Allele frequency attached by ClinVar (database versions not stated): gnomAD below 0.00001 and 0.00003; TOPMed 0.00001; ExAC 0.00003; gnomAD exomes 0.00004; 1000 Genomes Project 30x 0.00016; 1000 Genomes Project 0.00020.
gnomAD v4.1: 35 of 1,612,604 alleles (0.0022%); highest among the groups gnomAD compares: South Asian, 0.034%; no homozygotes.

Submission:

GeneDx
Classification: Likely benign. Last evaluated: 2017-04-07. Review status: criteria provided, single submitter. Criteria: GeneDx Variant Classification (06012015). Collection method: clinical testing. Allele origin: germline. Affected: yes.
Comment: This variant is considered likely benign or benign based on one or more of the following criteria: it is a conservative change, it occurs at a poorly conserved position in the protein, it is predicted to be benign by multiple in silico algorithms, and/or has population frequency not consistent with disease.